The following is an entry in ClinVar:

NM_014055.4(IFT81):c.1730_1737dup (p.Arg580fs)

Gene: IFT81 (intraflagellar transport 81; plus strand). Cytogenetic location: 12q24.11.
Variant type: Duplication.
Coding change: c.1730_1737dup on transcript NM_014055.4 (MANE Select); coding-DNA positions 1730 to 1737, 8 bases duplicated (AACTTCGT; older notation c.1730_1737dupAACTTCGT).
Protein change: p.Arg580fs; shifts the reading frame from arginine 580.
Molecular consequence: frameshift variant. On other transcripts: non-coding transcript variant (4).
Genome position (GRCh38, 1-based): chr12:110,205,608-110,205,615, AACTTCGT duplicated. VCF-style (leftmost placement, unchanged base first): chr12-110205607-C-CAACTTCGT. GRCh37 (hg19) VCF-style: chr12-110643412-C-CAACTTCGT.
Other names: c.1730_1737dup, p.Arg580fs (NM_001143779.2); c.800_807dup, p.Arg270fs (NM_001347947.2, NM_001347948.2); short protein forms R270fs, R580fs.
Identifiers: ClinVar variation 4726405 (VCV004726405.1).

ClinVar aggregate classification (germline): Pathogenic (1 of 4 stars; one submission).

Submission:

Labcorp Genetics (formerly Invitae), Labcorp
Classification: Pathogenic. Last evaluated: 2025-08-31. Review status: criteria provided, single submitter. Criteria: Invitae Variant Classification Sherloc (09022015). Collection method: clinical testing. Allele origin: germline.
Comment: This sequence change creates a premature translational stop signal (p.Arg580Asnfs*9) in the IFT81 gene. It is expected to result in an absent or disrupted protein product. Loss-of-function variants in IFT81 are known to be pathogenic (PMID: 26275418, 27666822). This variant is not present in population databases (gnomAD no frequency). This variant has not been reported in the literature in individuals affected with IFT81-related conditions. For these reasons, this variant has been classified as Pathogenic.

Literature cited by the submitters: PubMed 26275418; PubMed 27666822.